The following is an entry in ClinVar:

ClinVar aggregate classification (germline): Uncertain significance (1 of 4 stars; one submission).

Conditions:
Cardiovascular phenotype. Identifiers: MedGen CN230736.
Hereditary cancer-predisposing syndrome. Also called: Neoplastic Syndromes, Hereditary; Tumor predisposition; Hereditary Cancer Syndrome; Hereditary neoplastic syndrome. Identifiers: Orphanet 140162, MedGen C0027672, MeSH D009386, MONDO:0015356.

Submission:

Ambry Genetics
Classification: Uncertain significance for Cardiovascular phenotype; Hereditary cancer-predisposing syndrome. Last evaluated: 2025-11-09. Review status: criteria provided, single submitter. Criteria: Ambry Variant Classification Scheme 2023. Collection method: clinical testing. Allele origin: germline.
Comment: The p.L344Q variant (also known as c.1031T>A), located in coding exon 9 of the NF1 gene, results from a T to A substitution at nucleotide position 1031. The leucine at codon 344 is replaced by glutamine, an amino acid with dissimilar properties. This amino acid position is conserved. In addition, the in silico prediction for this alteration is inconclusive. Based on the available evidence, the clinical significance of this variant remains unclear.

NM_001042492.3(NF1):c.1031T>A (p.Leu344Gln)

Gene: NF1 (neurofibromin 1; plus strand). Cytogenetic location: 17q11.2.
Variant type: single nucleotide variant.
Coding change: c.1031T>A on transcript NM_001042492.3 (MANE Select); coding-DNA position 1031, T replaced by A.
Protein change: p.Leu344Gln; replaces leucine 344 with glutamine.
Molecular consequence: missense variant.
Genome position (GRCh38, 1-based): chr17:31,200,564, T>A. VCF-style: chr17-31200564-T-A. GRCh37 (hg19) VCF-style: chr17-29527582-T-A.
Other names: c.1031T>A, p.Leu344Gln (NM_000267.4, NM_001128147.3); short protein forms L344Q.
Identifiers: ClinVar variation 4615790 (VCV004615790.1).